The following is an entry in ClinVar:

ClinVar aggregate classification (germline): Conflicting classifications of pathogenicity. Review status: criteria provided, conflicting classifications (1 of 4 stars). 2 submissions from 2 submitters: Uncertain significance (1); Likely benign (1). Last evaluated 2026-03-02.

Conditions:
Fanconi anemia (FA). Also called: Fanconi's anemia. Identifiers: Orphanet 84, MedGen C0015625, MeSH D005199, MONDO:0019391.
Inborn genetic diseases. Identifiers: MedGen C0950123, MeSH D030342.

Allele frequency attached by ClinVar (database versions not stated): gnomAD exomes below 0.00001 and 0.00001.
gnomAD v4.1: 3 of 1,211,211 alleles (0.00025%); highest among the groups gnomAD compares: Non-Finnish European, 0.00022%; no homozygotes.

Submissions (2):

Ambry Genetics
Classification: Likely benign for Inborn genetic diseases. Last evaluated: 2026-03-02. Review status: criteria provided, single submitter. Criteria: Ambry Variant Classification Scheme 2023. Collection method: clinical testing. Allele origin: germline.

Labcorp Genetics (formerly Invitae), Labcorp
Classification: Uncertain significance for Fanconi anemia. Last evaluated: 2020-03-16. Review status: criteria provided, single submitter. Criteria: Invitae Variant Classification Sherloc (09022015). Collection method: clinical testing. Allele origin: germline.
Comment: This variant has not been reported in the literature in individuals with FANCB-related conditions. Algorithms developed to predict the effect of missense changes on protein structure and function output the following: SIFT: "Tolerated"; PolyPhen-2: "Benign"; Align-GVGD: "Class C0". The threonine amino acid residue is found in multiple mammalian species, suggesting that this missense change does not adversely affect protein function. These predictions have not been confirmed by published functional studies and their clinical significance is uncertain. In summary, the available evidence is currently insufficient to determine the role of this variant in disease. Therefore, it has been classified as a Variant of Uncertain Significance. This variant is not present in population databases (ExAC no frequency). This sequence change replaces serine with threonine at codon 658 of the FANCB protein (p.Ser658Thr). The serine residue is weakly conserved and there is a small physicochemical difference between serine and threonine.

NM_001018113.3(FANCB):c.1972T>A (p.Ser658Thr)

Gene: FANCB (FA complementation group B; minus strand). Cytogenetic location: Xp22.2.
Variant type: single nucleotide variant.
Coding change: c.1972T>A on transcript NM_001018113.3 (MANE Select); coding-DNA position 1972, T replaced by A.
Protein change: p.Ser658Thr; replaces serine 658 with threonine.
Molecular consequence: missense variant.
Genome position (GRCh38, 1-based): chrX:14,844,696, A>T on the plus strand (T>A on the coding strand, the complement: FANCB is on the minus strand). VCF-style: chrX-14844696-A-T. GRCh37 (hg19) VCF-style: chrX-14862818-A-T.
Other names: c.1972T>A, p.Ser658Thr (NM_001324162.2, NM_152633.4); short protein forms S658T.
Identifiers: ClinVar variation 947315 (VCV000947315.10), dbSNP rs1440633578, ClinGen allele CA412439043.